The following is an entry in ClinVar:

NM_004211.5(SLC6A5):c.137C>G (p.Pro46Arg)

Gene: SLC6A5 (solute carrier family 6 member 5; plus strand). Cytogenetic location: 11p15.1.
Variant type: single nucleotide variant.
Coding change: c.137C>G on transcript NM_004211.5 (MANE Select); coding-DNA position 137, C replaced by G.
Protein change: p.Pro46Arg; replaces proline 46 with arginine.
Molecular consequence: missense variant. On other transcripts: 5 prime UTR variant (1).
Genome position (GRCh38, 1-based): chr11:20,601,262, C>G. VCF-style: chr11-20601262-C-G. GRCh37 (hg19) VCF-style: chr11-20622808-C-G.
Other names: c.-427C>G (NM_001318369.2); short protein forms P46R.
Identifiers: ClinVar variation 303999 (VCV000303999.58), dbSNP rs12364685, ClinGen allele CA5921008.

ClinVar aggregate classification (germline): Benign/Likely benign. Review status: criteria provided, multiple submitters, no conflicts (2 of 4 stars). 5 submissions from 5 submitters: Benign (1); Likely benign (4). Last evaluated 2026-04-01.

Conditions:
Hyperekplexia 3 (HKPX3). Also called: HYPEREKPLEXIA 3, AUTOSOMAL RECESSIVE; HYPEREKPLEXIA 3, AUTOSOMAL DOMINANT. Identifiers: Orphanet 3197, MedGen C3553288, MONDO:0013827, OMIM 614618.

Allele frequency attached by ClinVar (database versions not stated): 1000 Genomes Project 0.00120; 1000 Genomes Project 30x 0.00172; TOPMed 0.00418; gnomAD exomes 0.00427; gnomAD 0.00520; ExAC 0.00668.
gnomAD v4.1: 9,627 of 1,583,946 alleles (0.61%); highest among the groups gnomAD compares: Non-Finnish European, 0.74%; 40 homozygotes.

Submissions (5):

CeGaT Center for Human Genetics Tuebingen
Classification: Likely benign. Last evaluated: 2026-04-01. Review status: criteria provided, single submitter. Criteria: CeGaT Center For Human Genetics Tuebingen Variant Classification Criteria Version 2. Collection method: clinical testing. Allele origin: germline. Affected: yes. Observed: 5 variant alleles.
Comment: SLC6A5: BS2

Labcorp Genetics (formerly Invitae), Labcorp
Classification: Benign for Hyperekplexia 3. Last evaluated: 2026-02-02. Review status: criteria provided, single submitter. Criteria: Invitae Variant Classification Sherloc (09022015). Collection method: clinical testing. Allele origin: germline.

Blueprint Genetics
Classification: Likely benign. Last evaluated: 2024-11-27. Review status: criteria provided, single submitter. Criteria: ACMG Guidelines, 2015. Collection method: clinical testing. Allele origin: germline.

Center for Pediatric Genomic Medicine, Children's Mercy Hospital and Clinics
Classification: Likely benign. Last evaluated: 2016-09-12. Review status: criteria provided, single submitter. Criteria: ACMG Guidelines, 2015. Collection method: clinical testing. Allele origin: germline.
ClinVar note: Converted during submission from Likely Benign to Likely benign.

Breakthrough Genomics
Classification: Likely benign. Review status: criteria provided, single submitter. Criteria: ACMG Guidelines, 2015. Collection method: not provided. Allele origin: germline. Inheritance: Autosomal dominant inheritance. Affected: yes.